The following is an entry in ClinVar:

ClinVar aggregate classification (germline): Likely benign. Review status: criteria provided, multiple submitters, no conflicts (2 of 4 stars). 6 submissions from 6 submitters: Likely benign (6). Last evaluated 2026-06-29.

Conditions:
DSP-related disorder. Also called: DSP-related condition; DSP-related disorders.
Arrhythmogenic right ventricular dysplasia 8 (ARVD8). Also called: Arrhythmogenic Right Ventricular Dysplasia/Cardiomyopathy 8; ARRHYTHMOGENIC RIGHT VENTRICULAR DYSPLASIA, FAMILIAL, 8; ARRHYTHMOGENIC RIGHT VENTRICULAR CARDIOMYOPATHY 8. Identifiers: MedGen C1843896, MONDO:0011831, OMIM 607450.
Arrhythmogenic cardiomyopathy with wooly hair and keratoderma. Also called: PALMOPLANTAR KERATODERMA WITH LEFT VENTRICULAR CARDIOMYOPATHY AND WOOLLY HAIR; Carvajal syndrome; Dilated cardiomyopathy with woolly hair and keratoderma; Arrhythmogenic cardiomyopathy with woolly hair and keratoderma. Identifiers: Orphanet 65282, MedGen C1854063, MONDO:0011581, OMIM 605676.
Cardiomyopathy (CMYO). Also called: Cardiomyopathies. Identifiers: Orphanet 167848, MedGen C0878544, MONDO:0004994, HP:0001638. Inheritance: Various modes of inheritance.
Cardiovascular phenotype. Identifiers: MedGen CN230736.

Allele frequency attached by ClinVar (database versions not stated): gnomAD 0.00001; gnomAD exomes 0.00001; TOPMed 0.00001.
gnomAD v4.1: 9 of 1,613,474 alleles (0.00056%); highest among the groups gnomAD compares: Non-Finnish European, 0.00068%; no homozygotes.

Submissions (6):

PreventionGenetics, part of Exact Sciences
Classification: Likely benign for DSP-related condition. Last evaluated: 2026-06-29. Review status: criteria provided, single submitter. Criteria: ACMG Guidelines, 2015. Collection method: clinical testing. Allele origin: germline.
Comment: This variant is classified as likely benign based on ACMG/AMP sequence variant interpretation guidelines (Richards et al. 2015 PMID: 25741868, with internal and published modifications).

Labcorp Genetics (formerly Invitae), Labcorp
Classification: Likely benign for Arrhythmogenic cardiomyopathy with wooly hair and keratoderma; Arrhythmogenic right ventricular dysplasia 8. Last evaluated: 2025-12-24. Review status: criteria provided, single submitter. Criteria: Invitae Variant Classification Sherloc (09022015). Collection method: clinical testing. Allele origin: germline.

Ambry Genetics
Classification: Likely benign for Cardiovascular phenotype. Last evaluated: 2025-04-11. Review status: criteria provided, single submitter. Criteria: Ambry Variant Classification Scheme 2023. Collection method: clinical testing. Allele origin: germline.

Blueprint Genetics
Classification: Likely benign. Last evaluated: 2023-12-18. Review status: criteria provided, single submitter. Criteria: ACMG Guidelines, 2015. Collection method: clinical testing. Allele origin: germline.

Color Diagnostics, LLC DBA Color Health
Classification: Likely benign for Cardiomyopathy. Last evaluated: 2022-11-18. Review status: criteria provided, single submitter. Criteria: ACMG Guidelines, 2015. Collection method: clinical testing. Allele origin: germline.

GeneDx
Classification: Likely benign. Last evaluated: 2018-03-02. Review status: criteria provided, single submitter. Criteria: GeneDx Variant Classification (06012015). Collection method: clinical testing. Allele origin: germline. Affected: yes.
Comment: This variant is considered likely benign or benign based on one or more of the following criteria: it is a conservative change, it occurs at a poorly conserved position in the protein, it is predicted to be benign by multiple in silico algorithms, and/or has population frequency not consistent with disease.

NM_004415.4(DSP):c.171-4T>C

Gene: DSP (desmoplakin; plus strand). Cytogenetic location: 6p24.3.
Variant type: single nucleotide variant.
Coding change: c.171-4T>C on transcript NM_004415.4 (MANE Select); 4 bases into the intron before coding-DNA position 171, T replaced by C.
Molecular consequence: intron variant.
Genome position (GRCh38, 1-based): chr6:7,555,714, T>C. VCF-style: chr6-7555714-T-C. GRCh37 (hg19) VCF-style: chr6-7555947-T-C.
Other names: c.171-4T>C (NM_004415.3, LRG_423t1, NM_001319034.2 and 1 more transcripts).
Identifiers: ClinVar variation 509445 (VCV000509445.22), dbSNP rs1554105598, ClinGen allele CA658796718.